The following is an entry in ClinVar:

ClinVar aggregate classification (germline): Likely benign (0 of 4 stars; one submission).

Conditions:
NHLRC2-related disorder. Also called: NHLRC2-related condition.

gnomAD v4.1: 137 of 1,603,894 alleles (0.0085%); highest among the groups gnomAD compares: Non-Finnish European, 0.011%; no homozygotes.

Submission:

PreventionGenetics, part of Exact Sciences
Classification: Likely benign for NHLRC2-related condition. Last evaluated: 2024-04-16. Review status: no assertion criteria provided. Collection method: clinical testing. Allele origin: germline.
Comment: This variant is classified as likely benign based on ACMG/AMP sequence variant interpretation guidelines (Richards et al. 2015 PMID: 25741868, with internal and published modifications).

NM_198514.4(NHLRC2):c.360G>A (p.Ser120=)

Gene: NHLRC2 (NHL repeat containing 2; plus strand). Cytogenetic location: 10q25.3.
Variant type: single nucleotide variant.
Coding change: c.360G>A on transcript NM_198514.4 (MANE Select); coding-DNA position 360, G replaced by A.
Protein change: p.Ser120=; no amino-acid change (serine 120 retained).
Molecular consequence: synonymous variant.
Genome position (GRCh38, 1-based): chr10:113,876,549, G>A. VCF-style: chr10-113876549-G-A. GRCh37 (hg19) VCF-style: chr10-115636308-G-A.
Identifiers: ClinVar variation 3350913 (VCV003350913.1).
Genomic context (GRCh38, chr10:113,876,549, plus strand): 5'-ATAATGTTTAACATATAATTTTTTCCTTTCAGATGGTCTTCTTATTATTGGTGTTCACTC[G>A]GCTAAGTTTCCAAATGAAAAAGTCCTGGATAACATTAAGAGTGCTGTTCTTCGATACAAC-3'
Protein context (NP_940916.2, residues 110-130): KDGLLIIGVH[Ser120=]AKFPNEKVLD